The following is an entry in ClinVar:

ClinVar aggregate classification (germline): Uncertain significance. Review status: criteria provided, multiple submitters, no conflicts (2 of 4 stars). 3 submissions from 2 submitters: Uncertain significance (3). Last evaluated 2021-01-08.

Conditions:
Charcot-Marie-Tooth disease, axonal, with vocal cord paresis, autosomal recessive. Also called: CHARCOT-MARIE-TOOTH DISEASE, TYPE 4A, AXONAL FORM; CHARCOT-MARIE-TOOTH NEUROPATHY, AXONAL, WITH VOCAL CORD PARESIS, AUTOSOMAL RECESSIVE; CMT2 WITH VOCAL CORD PARESIS, AUTOSOMAL RECESSIVE. Identifiers: Orphanet 101097, MedGen C1843183, MONDO:0011898, OMIM 607706.
Charcot-Marie-Tooth disease recessive intermediate A (CMTRIA). Also called: CHARCOT-MARIE-TOOTH NEUROPATHY, RECESSIVE INTERMEDIATE A. Identifiers: Orphanet 217055, MedGen C1842197, MONDO:0012014, OMIM 608340.
Charcot-Marie-Tooth disease type 4A. Also called: Charcot-Marie-Tooth disease, demyelinating, autosomal recessive, type 4a. Identifiers: Orphanet 99948, MedGen C1859198, MONDO:0008961, OMIM 214400.

Allele frequency attached by ClinVar (database versions not stated): TOPMed below 0.00001; gnomAD 0.00001.
gnomAD v4.1: 3 of 1,614,022 alleles (0.00019%); highest among the groups gnomAD compares: Non-Finnish European, 0.00025%; no homozygotes.

Submissions (3):

Labcorp Genetics (formerly Invitae), Labcorp
Classification: Uncertain significance for Charcot-Marie-Tooth disease type 4A. Last evaluated: 2021-01-08. Review status: criteria provided, single submitter. Criteria: Invitae Variant Classification Sherloc (09022015). Collection method: clinical testing. Allele origin: germline.
Comment: This sequence change replaces lysine with arginine at codon 259 of the GDAP1 protein (p.Lys259Arg). The lysine residue is highly conserved and there is a small physicochemical difference between lysine and arginine. Algorithms developed to predict the effect of missense changes on protein structure and function (SIFT, PolyPhen-2, Align-GVGD) all suggest that this variant is likely to be tolerated, but these predictions have not been confirmed by published functional studies and their clinical significance is uncertain. This variant has not been reported in the literature in individuals with GDAP1-related disease. This variant is not present in population databases (ExAC no frequency). In summary, the available evidence is currently insufficient to determine the role of this variant in disease. Therefore, it has been classified as a Variant of Uncertain Significance.

Illumina Laboratory Services, Illumina
Classification: Uncertain significance for Charcot-Marie-Tooth disease recessive intermediate A. Last evaluated: 2018-01-12. Review status: criteria provided, single submitter. Criteria: ICSL Variant Classification Criteria 13 December 2019. Collection method: clinical testing. Allele origin: germline.

Illumina Laboratory Services, Illumina
Classification: Uncertain significance for Charcot-Marie-Tooth disease, axonal, with vocal cord paresis, autosomal recessive. Last evaluated: 2018-01-12. Review status: criteria provided, single submitter. Criteria: ICSL Variant Classification Criteria 13 December 2019. Collection method: clinical testing. Allele origin: germline.

NM_018972.4(GDAP1):c.776A>G (p.Lys259Arg)

Gene: GDAP1 (ganglioside induced differentiation associated protein 1; plus strand). Cytogenetic location: 8q21.11.
Variant type: single nucleotide variant.
Coding change: c.776A>G on transcript NM_018972.4 (MANE Select); coding-DNA position 776, A replaced by G.
Protein change: p.Lys259Arg; replaces lysine 259 with arginine.
Molecular consequence: missense variant. On other transcripts: intron variant (1).
Genome position (GRCh38, 1-based): chr8:74,364,066, A>G. VCF-style: chr8-74364066-A-G. GRCh37 (hg19) VCF-style: chr8-75276301-A-G.
Other names: c.572A>G, p.Lys191Arg (NM_001040875.4); c.449A>G, p.Lys150Arg (NM_001362929.2, NM_001362932.2); c.602A>G, p.Lys201Arg (NM_001362930.2); c.694+1013A>G (NM_001362931.2); short protein forms K259R, K150R, K191R, K201R.
Identifiers: ClinVar variation 467772 (VCV000467772.12), dbSNP rs778557691, ClinGen allele CA179735445.